The following is an entry in ClinVar:

ClinVar aggregate classification (germline): Pathogenic. Review status: reviewed by expert panel (3 of 4 stars). 3 submissions from 3 submitters: Pathogenic (1). 2 of the submissions do not count toward it. Last evaluated 2022-01-04.

Conditions:
Glycogen storage disease, type II (IOPD). Also called: CARDIOMEGALIA GLYCOGENICA DIFFUSA; GLYCOGENOSIS, GENERALIZED, CARDIAC FORM; GSD II; POMPE DISEASE, INFANTILE-ONSET; GLYCOGEN STORAGE DISEASE II, INFANTILE-ONSET; ACID ALPHA-GLUCOSIDASE DEFICIENCY, INFANTILE-ONSET. Identifiers: Orphanet 365, MedGen C0017921, MONDO:0009290, OMIM 232300.

Submissions (3):

ClinGen Lysosomal Storage Disorder Variant Curation Expert Panel
Classification: Pathogenic for Glycogen storage disease, type II. Last evaluated: 2022-01-04. Review status: reviewed by expert panel. Criteria: clingen_lsd_acmg_specifications_v2-1. Collection method: curation. Allele origin: germline. Inheritance: Autosomal recessive inheritance.
Comment: The NM_000152.5:c.246C>A (p.Cys82Ter) variant in GAA is a nonsense variant predicted to cause a premature stop codon in biologically-relevant-exon 2/20, leading to nonsense mediated decay in a gene in which loss-of-function is an established disease mechanism (PVS1). This variant is absent in gnomAD v2.1.1 (PM2_Supporting). At least 1 patient with this variant had documented GAA deficiency with <10% of normal mean control level of GAA activity in leukocytes (PMID: 33741225) (PP4_Moderate). In summary, this variant meets the criteria to be classified as pathogenic for Pompe disease based on the ACMG/AMP criteria applied, as specified by the ClinGen Lysosomal Storage Disorders Variant Curation Expert panel (specifications Version 2.0): PVS1, PM2_Supporting, PP4_Moderate.

Genomenon, Inc
Classification: Pathogenic for Glycogen storage disease, type II. Last evaluated: 2026-07-01. Review status: criteria provided, single submitter. Criteria: Genomenon Sequence Variant Interpretation Standards - Updated. Collection method: curation. Allele origin: germline. Affected: yes. Not counted in ClinVar's aggregate classification.
Comment: GAA p.Cys82Ter (c.246C>A) is a nonsense variant that introduces a premature stop codon at amino acid position 82 and is predicted to result in a truncated or absent protein product. This variant has been observed in at least one proband with a GAA-related disorder (PMID:33741225). It is absent or not present at a significant frequency in gnomAD. In conclusion, we classify GAA p.Cys82Ter (c.246C>A) as a pathogenic variant.

Labcorp Genetics (formerly Invitae), Labcorp
Classification: Pathogenic for Glycogen storage disease, type II. Last evaluated: 2023-03-18. Review status: criteria provided, single submitter. Criteria: Invitae Variant Classification Sherloc (09022015). Collection method: clinical testing. Allele origin: germline. Not counted in ClinVar's aggregate classification.
Comment: For these reasons, this variant has been classified as Pathogenic. ClinVar contains an entry for this variant (Variation ID: 1693546). This premature translational stop signal has been observed in individual(s) with GAA-related conditions (PMID: 33741225). This variant is not present in population databases (gnomAD no frequency). This sequence change creates a premature translational stop signal (p.Cys82*) in the GAA gene. It is expected to result in an absent or disrupted protein product. Loss-of-function variants in GAA are known to be pathogenic (PMID: 18425781, 22252923).

Literature cited by the submitters: PubMed 33741225 (cited by Genomenon, Inc and Labcorp Genetics (formerly Invitae), Labcorp); PubMed 18425781 (cited by Labcorp Genetics (formerly Invitae), Labcorp); PubMed 22252923 (cited by Labcorp Genetics (formerly Invitae), Labcorp).

NM_000152.5(GAA):c.246C>A (p.Cys82Ter)

Gene: GAA (alpha glucosidase; plus strand). Cytogenetic location: 17q25.3.
Variant type: single nucleotide variant.
Coding change: c.246C>A on transcript NM_000152.5 (MANE Select); coding-DNA position 246, C replaced by A.
Protein change: p.Cys82Ter; replaces cysteine 82 with a stop codon.
Molecular consequence: nonsense.
Genome position (GRCh38, 1-based): chr17:80,104,832, C>A. VCF-style: chr17-80104832-C-A. GRCh37 (hg19) VCF-style: chr17-78078631-C-A.
Other names: NM_001079804.3:c.246C>A; c.246C>A, p.Cys82Ter (NM_001079803.3, NM_001079804.3); short protein forms C82*.
Identifiers: ClinVar variation 1693546 (VCV001693546.5), dbSNP rs749584846, ClinGen allele CA401360532.